The following is an entry in ClinVar:

ClinVar aggregate classification (germline): Uncertain significance (1 of 4 stars; one submission).

Submission:

ISCA site 15
Classification: Uncertain significance. Last evaluated: 2011-08-12. Review status: criteria provided, single submitter. Criteria: Kaminsky et al. (Genet Med. 2011). Collection method: clinical testing. Allele origin: unknown. Affected: yes. Observed: 1 variant allele.
Comment: Copy number variation identified through the course of routine clinical cytogenomic testing in postnatal populations. Clinical assertions have been curated as described in Kaminsky et al. 2011.

GRCh38/hg38 2p25.2-25.1(chr2:6503572-7934538)x3

Genes: CMPK2 (cytidine/uridine monophosphate kinase 2; minus strand), GRASLND (glycosaminoglycan regulatory associated long non-coding RNA; minus strand), LINC00298 (long intergenic non-protein coding RNA 298; minus strand), LINC00487 (long independently transcribed non-coding RNA 487; minus strand), LINC01246 (long independently transcribed non-coding RNA 1246; minus strand) and 29 more. Cytogenetic location: 2p25.2-25.1.
Variant type: copy number gain.
Change: copy number 3 (three copies instead of two) of chr2:6,503,572-7,934,538 (1.43 Mb, GRCh38 coordinates, 1-based), cytogenetic band 2p25.2-25.1.
Identifiers: ClinVar variation 58837 (VCV000058837.2).